The following is an entry in ClinVar:

NM_018979.4(WNK1):c.2320G>A (p.Val774Met)

Gene: WNK1 (WNK lysine deficient protein kinase 1; plus strand). Cytogenetic location: 12p13.33.
Variant type: single nucleotide variant.
Coding change: c.2320G>A on transcript NM_018979.4 (MANE Select); coding-DNA position 2320, G replaced by A.
Protein change: p.Val774Met; replaces valine 774 with methionine.
Molecular consequence: missense variant.
Genome position (GRCh38, 1-based): chr12:878,308, G>A. VCF-style: chr12-878308-G-A. GRCh37 (hg19) VCF-style: chr12-987474-G-A.
Other names: c.3559G>A, p.Val1187Met (NM_001184985.2); c.2317G>A, p.Val773Met (NM_014823.3); c.3814G>A, p.Val1272Met (NM_213655.5); short protein forms V1272M, V774M, V1187M, V773M.
Identifiers: ClinVar variation 538522 (VCV000538522.13), dbSNP rs144292256, ClinGen allele CA6382441.
Genomic context (GRCh38, chr12:878,308, plus strand): 5'-ACAGTGCAGTATTCACTTTCACAGACATCAACCTCCAGTGAGGCCACTACTGCACAGCCA[G>A]TGAGTCAGCCTCAAGCTCCACAAGTCTTGCCTCAAGTATCAGCTGGAAAACAGGTAAACT-3'
Protein context (NP_061852.3, residues 764-784): TSSEATTAQP[Val774Met]SQPQAPQVLP

ClinVar aggregate classification (germline): Uncertain significance. Review status: criteria provided, multiple submitters, no conflicts (2 of 4 stars). 3 submissions from 3 submitters: Uncertain significance (3). Last evaluated 2025-10-02.

Conditions:
Neuropathy, hereditary sensory and autonomic, type 2A (HSAN2A). Also called: HSAN IIA; WNK1-Related HSAN2 (HSAN2A); MORVAN DISEASE; NEUROPATHY, CONGENITAL SENSORY; NEUROPATHY, HEREDITARY SENSORY RADICULAR, AUTOSOMAL RECESSIVE; NEUROPATHY, HEREDITARY SENSORY, TYPE IIA. Identifiers: Orphanet 970, MedGen C2752089, MONDO:0024309, OMIM 201300.
Pseudohypoaldosteronism type 2C (PHA2C). Also called: Pseudohypoaldosteronism Type IIC. Identifiers: Orphanet 757, Orphanet 88940, MedGen C1840391, MONDO:0013778, OMIM 614492.
Inborn genetic diseases. Identifiers: MedGen C0950123, MeSH D030342.

Allele frequency attached by ClinVar (database versions not stated): TOPMed below 0.00001; ExAC 0.00002; gnomAD exomes 0.00002 and 0.00005; ESP Exome Variant Server 0.00008.
gnomAD v4.1: 77 of 1,613,846 alleles (0.0048%); highest among the groups gnomAD compares: Non-Finnish European, 0.006%; no homozygotes.

Submissions (3):

Labcorp Genetics (formerly Invitae), Labcorp
Classification: Uncertain significance for Neuropathy, hereditary sensory and autonomic, type 2A; Pseudohypoaldosteronism type 2C. Last evaluated: 2025-10-02. Review status: criteria provided, single submitter. Criteria: Invitae Variant Classification Sherloc (09022015). Collection method: clinical testing. Allele origin: germline.
Comment: This sequence change replaces valine, which is neutral and non-polar, with methionine, which is neutral and non-polar, at codon 1272 of the WNK1 protein (p.Val1272Met). This variant is present in population databases (rs144292256, gnomAD 0.007%). This variant has not been reported in the literature in individuals affected with WNK1-related conditions. ClinVar contains an entry for this variant (Variation ID: 538522). Invitae Evidence Modeling of protein sequence and biophysical properties (such as structural, functional, and spatial information, amino acid conservation, physicochemical variation, residue mobility, and thermodynamic stability) indicates that this missense variant is not expected to disrupt WNK1 protein function with a negative predictive value of 95%. In summary, the available evidence is currently insufficient to determine the role of this variant in disease. Therefore, it has been classified as a Variant of Uncertain Significance.

Ambry Genetics
Classification: Uncertain significance for Inborn genetic diseases. Last evaluated: 2022-11-02. Review status: criteria provided, single submitter. Criteria: Ambry Variant Classification Scheme 2023. Collection method: clinical testing. Allele origin: germline.

Johns Hopkins Genomics, Johns Hopkins University
Classification: Uncertain significance for Pseudohypoaldosteronism type 2C. Last evaluated: 2020-09-03. Review status: criteria provided, single submitter. Criteria: ACMG Guidelines, 2015. Collection method: clinical testing. Allele origin: germline.
Comment: This WNK1 variant (rs144292256) is rare (<0.1%) in a large population dataset (gnomAD: 6/251440 total alleles; 0.002%; no homozygotes) and has not been reported in the literature, to our knowledge. This variant has been reported in ClinVar. Of three bioinformatics tools queried, two predict that the substitution would be tolerated, while one predicts that it would be damaging. The valine residue at this position is poorly conserved across the species assessed. Due to insufficient evidence, we consider the clinical significance of c.2320G>A to be uncertain at this time.